The following is an entry in ClinVar:

NM_001128840.3(CACNA1D):c.5122C>T (p.His1708Tyr)

Gene: CACNA1D (calcium voltage-gated channel subunit alpha1 D; plus strand). Cytogenetic location: 3p21.1.
Variant type: single nucleotide variant.
Coding change: c.5122C>T on transcript NM_001128840.3 (MANE Select); coding-DNA position 5122, C replaced by T.
Protein change: p.His1708Tyr; replaces histidine 1708 with tyrosine.
Molecular consequence: missense variant.
Genome position (GRCh38, 1-based): chr3:53,801,139, C>T. VCF-style: chr3-53801139-C-T. GRCh37 (hg19) VCF-style: chr3-53835166-C-T.
Other names: c.5182C>T, p.His1728Tyr (NM_000720.4); c.5077C>T, p.His1693Tyr (NM_001128839.3); c.5182C>T (NM_000720.2); short protein forms H1693Y, H1708Y, H1728Y.
Identifiers: ClinVar variation 1915509 (VCV001915509.7), dbSNP rs1304515329, ClinGen allele CA353249991.

ClinVar aggregate classification (germline): Uncertain significance. Review status: criteria provided, multiple submitters, no conflicts (2 of 4 stars). 2 submissions from 2 submitters: Uncertain significance (2). Last evaluated 2023-06-26.

Conditions:
Inborn genetic diseases. Identifiers: MedGen C0950123, MeSH D030342.

Allele frequency attached by ClinVar (database versions not stated): TOPMed below 0.00001; gnomAD 0.00001; gnomAD exomes 0.00001.
gnomAD v4.1: 7 of 1,613,770 alleles (0.00043%); highest among the groups gnomAD compares: Non-Finnish European, 0.00059%; no homozygotes.

Submissions (2):

Ambry Genetics
Classification: Uncertain significance for Inborn genetic diseases. Last evaluated: 2023-06-26. Review status: criteria provided, single submitter. Criteria: Ambry Variant Classification Scheme 2023. Collection method: clinical testing. Allele origin: germline.

Labcorp Genetics (formerly Invitae), Labcorp
Classification: Uncertain significance. Last evaluated: 2022-08-09. Review status: criteria provided, single submitter. Criteria: Invitae Variant Classification Sherloc (09022015). Collection method: clinical testing. Allele origin: germline.
Comment: This variant has not been reported in the literature in individuals affected with CACNA1D-related conditions. This variant is not present in population databases (gnomAD no frequency). This sequence change replaces histidine, which is basic and polar, with tyrosine, which is neutral and polar, at codon 1728 of the CACNA1D protein (p.His1728Tyr). Algorithms developed to predict the effect of missense changes on protein structure and function are either unavailable or do not agree on the potential impact of this missense change (SIFT: "Deleterious"; PolyPhen-2: "Benign"; Align-GVGD: "Class C0"). In summary, the available evidence is currently insufficient to determine the role of this variant in disease. Therefore, it has been classified as a Variant of Uncertain Significance.